The following is an entry in ClinVar:

NM_000135.4(FANCA):c.2010T>C (p.Arg670=)

Gene: FANCA (FA complementation group A; minus strand). Cytogenetic location: 16q24.3.
Variant type: single nucleotide variant.
Coding change: c.2010T>C on transcript NM_000135.4 (MANE Select); coding-DNA position 2010, T replaced by C.
Protein change: p.Arg670=; no amino-acid change (arginine 670 retained).
Molecular consequence: synonymous variant.
Genome position (GRCh38, 1-based): chr16:89,773,275, A>G on the plus strand (T>C on the coding strand, the complement: FANCA is on the minus strand). VCF-style: chr16-89773275-A-G. GRCh37 (hg19) VCF-style: chr16-89839683-A-G.
Other names: c.2010T>C, p.Arg670= (NM_001286167.3); c.2010T>C (NM_000135.2).
Identifiers: ClinVar variation 1113088 (VCV001113088.12), dbSNP rs1335322113, ClinGen allele CA497185488.
Genomic context (GRCh38, chr16:89,773,275, plus strand): 5'-GCTCCAACCACAGGCTGCACACATGAGACACAGCATGAGCTCCCATCCATCCTCACCATC[A>G]CGCTGGCTGGGGTCTGTCATGGAGGCTCTCAGCTCTCCCAGTGCAGCTGTGAGCTGTCCC-3'
Protein context (NP_000126.2, residues 660-680): LRASMTDPSQ[Arg670=]DVISAQVAVI

ClinVar aggregate classification (germline): Likely benign. Review status: criteria provided, multiple submitters, no conflicts (2 of 4 stars). 3 submissions from 3 submitters: Likely benign (2). 1 of the submissions does not count toward it. Last evaluated 2024-12-31.

Conditions:
Inborn genetic diseases. Identifiers: MedGen C0950123, MeSH D030342.
FANCA-related disorder. Also called: FANCA-related condition.
Fanconi anemia (FA). Also called: Fanconi's anemia. Identifiers: Orphanet 84, MedGen C0015625, MeSH D005199, MONDO:0019391.

Allele frequency attached by ClinVar (database versions not stated): gnomAD 0.00001; gnomAD exomes 0.00001; TOPMed 0.00001.
gnomAD v4.1: 10 of 1,550,184 alleles (0.00065%); highest among the groups gnomAD compares: Non-Finnish European, 0.00087%; no homozygotes.

Submissions (3):

Ambry Genetics
Classification: Likely benign for Inborn genetic diseases. Last evaluated: 2024-12-31. Review status: criteria provided, single submitter. Criteria: Ambry Variant Classification Scheme 2023. Collection method: clinical testing. Allele origin: germline.

Labcorp Genetics (formerly Invitae), Labcorp
Classification: Likely benign for Fanconi anemia. Last evaluated: 2024-02-29. Review status: criteria provided, single submitter. Criteria: Invitae Variant Classification Sherloc (09022015). Collection method: clinical testing. Allele origin: germline.

PreventionGenetics, part of Exact Sciences
Classification: Likely benign for FANCA-related condition. Last evaluated: 2022-10-10. Review status: no assertion criteria provided. Collection method: clinical testing. Allele origin: germline. Not counted in ClinVar's aggregate classification.
Comment: This variant is classified as likely benign based on ACMG/AMP sequence variant interpretation guidelines (Richards et al. 2015 PMID: 25741868, with internal and published modifications).